The following is an entry in ClinVar:

ClinVar aggregate classification (germline): Uncertain significance (0 of 4 stars; one submission).

Conditions:
CNOT3-related disorder. Also called: CNOT3-related condition.

Submission:

PreventionGenetics, part of Exact Sciences
Classification: Uncertain significance for CNOT3-related condition. Last evaluated: 2024-09-18. Review status: no assertion criteria provided. Collection method: clinical testing. Allele origin: germline.
Comment: The CNOT3 c.242G>A variant is predicted to result in the amino acid substitution p.Arg81His. To our knowledge, this variant has not been reported in the literature or in a large population database, indicating this variant is rare. At this time, the clinical significance of this variant is uncertain due to the absence of conclusive functional and genetic evidence.

NM_014516.4(CNOT3):c.242G>A (p.Arg81His)

Gene: CNOT3 (CCR4-NOT transcription complex subunit 3; plus strand). Cytogenetic location: 19q13.42.
Variant type: single nucleotide variant.
Coding change: c.242G>A on transcript NM_014516.4 (MANE Select); coding-DNA position 242, G replaced by A.
Protein change: p.Arg81His; replaces arginine 81 with histidine.
Molecular consequence: missense variant.
Genome position (GRCh38, 1-based): chr19:54,143,733, G>A. VCF-style: chr19-54143733-G-A. GRCh37 (hg19) VCF-style: chr19-54647469-G-A.
Other names: short protein forms R81H.
Identifiers: ClinVar variation 3355782 (VCV003355782.1).
Genomic context (GRCh38, chr19:54,143,733, plus strand): 5'-AAATCAAGACATGGGTAGCGTCCAACGAGATCAAGGACAAGAGGCAGCTTATAGACAACC[G>A]CAAGCTCATTGAGACGGTAGGAGCCCAGAGCCTGAGTCCCAGAGAGGTGGGAAGGTCACC-3'
Protein context (NP_055331.1, residues 71-91): IKDKRQLIDN[Arg81His]KLIETQMERF